The following is an entry in ClinVar:

ClinVar aggregate classification (germline): Pathogenic (1 of 4 stars; one submission).

Allele frequency attached by ClinVar (database versions not stated): TOPMed below 0.00001; gnomAD 0.00001; gnomAD exomes 0.00001.
gnomAD v4.1: 5 of 1,614,088 alleles (0.00031%); highest among the groups gnomAD compares: Admixed American, 0.005%; no homozygotes.

Submission:

Labcorp Genetics (formerly Invitae), Labcorp
Classification: Pathogenic. Last evaluated: 2023-06-07. Review status: criteria provided, single submitter. Criteria: Invitae Variant Classification Sherloc (09022015). Collection method: clinical testing. Allele origin: germline.
Comment: This sequence change creates a premature translational stop signal (p.Gln99*) in the TG gene. It is expected to result in an absent or disrupted protein product. Loss-of-function variants in TG are known to be pathogenic (PMID: 19837936, 23164529). This variant is present in population databases (no rsID available, gnomAD 0.01%). This variant has not been reported in the literature in individuals affected with TG-related conditions. For these reasons, this variant has been classified as Pathogenic.

Literature cited by the submitters: PubMed 19837936; PubMed 23164529.

NM_003235.5(TG):c.295C>T (p.Gln99Ter)

Gene: TG (thyroglobulin; plus strand). Cytogenetic location: 8q24.22.
Variant type: single nucleotide variant.
Coding change: c.295C>T on transcript NM_003235.5 (MANE Select); coding-DNA position 295, C replaced by T.
Protein change: p.Gln99Ter; replaces glutamine 99 with a stop codon.
Molecular consequence: nonsense.
Genome position (GRCh38, 1-based): chr8:132,871,368, C>T. VCF-style: chr8-132871368-C-T. GRCh37 (hg19) VCF-style: chr8-133883613-C-T.
Other names: short protein forms Q99*.
Identifiers: ClinVar variation 2907533 (VCV002907533.3), dbSNP rs1194583771, ClinGen allele CA372246469.
Genomic context (GRCh38, chr8:132,871,368, plus strand): 5'-TCCCTGCAGTTCTATCTAACATTGCTCCTTGTACCCACAGGTCTGTCATTTTGTCAGCTA[C>T]AGAAACAGCAGATCTTACTGAGTGGCTACATTAACAGCACAGACACCTCCTACCTCCCTC-3'